The following is an entry in ClinVar:

ClinVar aggregate classification (germline): Likely benign (1 of 4 stars; one submission).

gnomAD v4.1: 3 of 1,611,988 alleles (0.00019%); highest among the groups gnomAD compares: South Asian, 0.0011%; no homozygotes.

Submission:

CeGaT Center for Human Genetics Tuebingen
Classification: Likely benign. Last evaluated: 2023-08-01. Review status: criteria provided, single submitter. Criteria: CeGaT Center For Human Genetics Tuebingen Variant Classification Criteria Version 2. Collection method: clinical testing. Allele origin: germline. Affected: yes. Observed: 1 variant allele.
Comment: KIR2DL4: PM2:Supporting, BP4, BP7

NM_001080770.2(KIR2DL4):c.204C>G (p.Val68=)

Gene: KIR2DL4 (killer cell immunoglobulin like receptor, two Ig domains and long cytoplasmic tail 4). Cytogenetic location: 19q13.42.
Variant type: single nucleotide variant.
Coding change: c.204C>G on transcript NM_001080770.2 (MANE Select); coding-DNA position 204, C replaced by G.
Protein change: p.Val68=; no amino-acid change (valine 68 retained).
Molecular consequence: synonymous variant.
Genome position (GRCh38, 1-based): chr19:54,804,920, C>G. VCF-style: chr19-54804920-C-G. GRCh37 (hg19) VCF-style: chr19-55316375-C-G.
Other names: c.204C>G, p.Val68= (NM_001080772.2).
Identifiers: ClinVar variation 2650467 (VCV002650467.24), dbSNP rs774526470, ClinGen allele CA883692544.